The following is an entry in ClinVar:

ClinVar aggregate classification (germline): Uncertain significance (1 of 4 stars; one submission).

Allele frequency attached by ClinVar (database versions not stated): gnomAD exomes below 0.00001.
gnomAD v4.1: 1 of 1,212,199 alleles (0.000082%); highest among the groups gnomAD compares: South Asian, 0.0018%; no homozygotes.

Submission:

GeneDx
Classification: Uncertain significance. Last evaluated: 2023-12-04. Review status: criteria provided, single submitter. Criteria: GeneDx Variant Classification Process June 2021. Collection method: clinical testing. Allele origin: germline. Affected: yes.
Comment: Not observed in large population cohorts (gnomAD); In silico analysis supports that this missense variant has a deleterious effect on protein structure/function; Has not been previously published as pathogenic or benign to our knowledge

NM_004187.5(KDM5C):c.3914T>C (p.Leu1305Ser)

Gene: KDM5C (lysine demethylase 5C; minus strand). Cytogenetic location: Xp11.22.
Variant type: single nucleotide variant.
Coding change: c.3914T>C on transcript NM_004187.5 (MANE Select); coding-DNA position 3914, T replaced by C.
Protein change: p.Leu1305Ser; replaces leucine 1305 with serine.
Molecular consequence: missense variant. On other transcripts: non-coding transcript variant (3).
Genome position (GRCh38, 1-based): chrX:53,194,263, A>G on the plus strand (T>C on the coding strand, the complement: KDM5C is on the minus strand). VCF-style: chrX-53194263-A-G. GRCh37 (hg19) VCF-style: chrX-53223445-A-G.
Other names: c.3713T>C, p.Leu1238Ser (NM_001146702.2); c.3911T>C, p.Leu1304Ser (NM_001282622.3, NM_001353979.2, NM_001353982.2); c.3914T>C, p.Leu1305Ser (NM_001353978.3, NM_001353981.2, NM_001353984.2); short protein forms L1238S, L1304S, L1305S.
Identifiers: ClinVar variation 1321623 (VCV001321623.3), dbSNP rs1393926887, ClinGen allele CA413106414.